The following is an entry in ClinVar:

ClinVar aggregate classification (germline): Conflicting classifications of pathogenicity. Review status: criteria provided, conflicting classifications (1 of 4 stars). 2 submissions from 2 submitters: Likely pathogenic (1); Uncertain significance (1). Last evaluated 2024-08-16.

Conditions:
Bardet-Biedl syndrome 9 (BBS9). Identifiers: Orphanet 110, MedGen C1859567, MONDO:0014437, OMIM 615986.

Submissions (2):

GeneDx
Classification: Uncertain significance. Last evaluated: 2024-08-16. Review status: criteria provided, single submitter. Criteria: GeneDx Variant Classification Process June 2021. Collection method: clinical testing. Allele origin: germline. Affected: yes.
Comment: Frameshift variant predicted to result in protein truncation or nonsense mediated decay in a gene for which loss of function is a known mechanism of disease; Reported previously in an unaffected carrier; however, no further information was provided (PMID: 31964843); This variant is associated with the following publications: (PMID: 31964843)

Fulgent Genetics
Classification: Likely pathogenic for Bardet-Biedl syndrome 9. Last evaluated: 2024-05-20. Review status: criteria provided, single submitter. Criteria: ACMG Guidelines, 2015. Collection method: clinical testing. Allele origin: germline.

NM_198428.3(BBS9):c.1351_1354del (p.Ile451fs)

Gene: BBS9 (Bardet-Biedl syndrome 9; plus strand). Cytogenetic location: 7p14.3.
Variant type: Deletion.
Coding change: c.1351_1354del on transcript NM_198428.3 (MANE Select); coding-DNA positions 1351 to 1354, 4 bases deleted (ATAT; older notation c.1351_1354delATAT).
Protein change: p.Ile451fs; shifts the reading frame from isoleucine 451.
Molecular consequence: frameshift variant. On other transcripts: non-coding transcript variant (3).
Genome position (GRCh38, 1-based): chr7:33,349,089-33,349,092, ATAT deleted. VCF-style (leftmost placement, unchanged base first): chr7-33349088-GATAT-G. GRCh37 (hg19) VCF-style: chr7-33388700-GATAT-G.
Other names: c.1351_1354del, p.Ile451fs (NM_001033604.2, NM_001033605.2, NM_001348036.1 and 5 more transcripts); c.985_988del, p.Ile329fs (NM_001348037.3, NM_001348044.3, NM_001348045.3 and 1 more transcripts); c.1078_1081del, p.Ile360fs (NM_001348038.3, NM_001348039.3); c.1216_1219del, p.Ile406fs (NM_001348042.3); c.1351_1354del (NM_198428.2); short protein forms I329fs, I406fs, I451fs, I360fs.
Identifiers: ClinVar variation 3594555 (VCV003594555.2).